The following is an entry in ClinVar:

NM_017934.7(PHIP):c.105G>A (p.Leu35=)

Gene: PHIP (PHIP subunit of CUL4-Ring ligase complex; minus strand). Cytogenetic location: 6q14.1.
Variant type: single nucleotide variant.
Coding change: c.105G>A on transcript NM_017934.7 (MANE Select); coding-DNA position 105, G replaced by A.
Protein change: p.Leu35=; no amino-acid change (leucine 35 retained).
Molecular consequence: synonymous variant.
Genome position (GRCh38, 1-based): chr6:79,077,724, C>T on the plus strand (G>A on the coding strand, the complement: PHIP is on the minus strand). VCF-style: chr6-79077724-C-T. GRCh37 (hg19) VCF-style: chr6-79787441-C-T.
Identifiers: ClinVar variation 3357279 (VCV003357279.1).

ClinVar aggregate classification (germline): Likely benign (0 of 4 stars; one submission).

Conditions:
PHIP-related disorder. Also called: PHIP-related condition; PHIP-related disorders.

gnomAD v4.1: 1 of 1,013,232 alleles (0.000099%); highest among the groups gnomAD compares: Non-Finnish European, 0.00012%; no homozygotes.

Submission:

PreventionGenetics, part of Exact Sciences
Classification: Likely benign for PHIP-related condition. Last evaluated: 2023-08-04. Review status: no assertion criteria provided. Collection method: clinical testing. Allele origin: germline.
Comment: This variant is classified as likely benign based on ACMG/AMP sequence variant interpretation guidelines (Richards et al. 2015 PMID: 25741868, with internal and published modifications).